The following is an entry in ClinVar:

ClinVar aggregate classification (germline): Likely benign (1 of 4 stars; one submission).

gnomAD v4.1: 3 of 1,211,785 alleles (0.00025%); highest among the groups gnomAD compares: Non-Finnish European, 0.00034%; no homozygotes.

Submission:

CeGaT Center for Human Genetics Tuebingen
Classification: Likely benign. Last evaluated: 2024-08-01. Review status: criteria provided, single submitter. Criteria: CeGaT Center For Human Genetics Tuebingen Variant Classification Criteria Version 2. Collection method: clinical testing. Allele origin: germline. Affected: yes. Observed: 1 variant allele.
Comment: AMER1: BP4, BP7

NM_152424.4(AMER1):c.2868T>C (p.Tyr956=)

Gene: AMER1 (APC membrane recruitment protein 1; minus strand). Cytogenetic location: Xq11.2.
Variant type: single nucleotide variant.
Coding change: c.2868T>C on transcript NM_152424.4 (MANE Select); coding-DNA position 2868, T replaced by C.
Protein change: p.Tyr956=; no amino-acid change (tyrosine 956 retained).
Molecular consequence: synonymous variant.
Genome position (GRCh38, 1-based): chrX:64,190,419, A>G on the plus strand (T>C on the coding strand, the complement: AMER1 is on the minus strand). VCF-style: chrX-64190419-A-G. GRCh37 (hg19) VCF-style: chrX-63410299-A-G.
Identifiers: ClinVar variation 3341574 (VCV003341574.16).
Genomic context (GRCh38, chrX:64,190,419, plus strand): 5'-GCTTATCCAGGCAGGACCTGGCCCCACTGGAAGAGGACAGGGAGCCCAAGCAGGCCAATC[A>G]TAGGCCCCTGGGGGTTCAGTATAGAGGGAAAGGGGACTGTCTCGGCTCCATTCTCCTTCT-3'
Protein context (NP_689637.3, residues 946-966): LSLYTEPPGA[Tyr956=]DWPAWAPCPL